The following is an entry in ClinVar:

ClinVar aggregate classification (germline): Likely pathogenic (1 of 4 stars; one submission).

Conditions:
Spermatogenic failure 45. Identifiers: MedGen C5436791, MONDO:0033671, OMIM 619094.

gnomAD v4.1: 19 of 1,614,076 alleles (0.0012%); highest among the groups gnomAD compares: African/African-American, 0.02%; no homozygotes.

Submission:

First Genomix Gene Laboratory, Genetic Diagnostics Department
Classification: Likely pathogenic for Spermatogenic failure 45. Last evaluated: 2025-05-30. Review status: criteria provided, single submitter. Criteria: ACMG Guidelines, 2015. Collection method: clinical testing. Allele origin: germline. Inheritance: Autosomal recessive inheritance. Affected: no. Observed: 1 variant allele.

NM_020877.5(DNAH2):c.4569T>G (p.Tyr1523Ter)

Gene: DNAH2 (dynein axonemal heavy chain 2; plus strand). Cytogenetic location: 17p13.1.
Variant type: single nucleotide variant.
Coding change: c.4569T>G on transcript NM_020877.5 (MANE Select); coding-DNA position 4569, T replaced by G.
Protein change: p.Tyr1523Ter; replaces tyrosine 1523 with a stop codon.
Molecular consequence: nonsense.
Genome position (GRCh38, 1-based): chr17:7,774,826, T>G. VCF-style: chr17-7774826-T-G. GRCh37 (hg19) VCF-style: chr17-7678144-T-G.
Other names: short protein forms Y1523*.
Identifiers: ClinVar variation 4849407 (VCV004849407.1).
Genomic context (GRCh38, chr17:7,774,826, plus strand): 5'-GGACACATTGATAGAAATGAATACAATCCTGGAAGATATTCAGAAATCTCTGGATATGTA[T>G]TTAGAGACCAAGCGACATATTTTCCCCCGCTTCTACTTCTTGTCCAATGATGACCTGCTG-3'